The following is an entry in ClinVar:

NM_000540.3(RYR1):c.693C>A (p.Thr231=)

Gene: RYR1 (ryanodine receptor 1; plus strand). Cytogenetic location: 19q13.2.
Variant type: single nucleotide variant.
Coding change: c.693C>A on transcript NM_000540.3 (MANE Select); coding-DNA position 693, C replaced by A.
Protein change: p.Thr231=; no amino-acid change (threonine 231 retained).
Molecular consequence: synonymous variant.
Genome position (GRCh38, 1-based): chr19:38,446,533, C>A. VCF-style: chr19-38446533-C-A. GRCh37 (hg19) VCF-style: chr19-38937173-C-A.
Other names: c.693C>A, p.Thr231= (NM_001042723.2).
Identifiers: ClinVar variation 2717733 (VCV002717733.5), dbSNP rs960734552, ClinGen allele CA308114179.
Genomic context (GRCh38, chr19:38,446,533, plus strand): 5'-CTTCGTGACGGGAGGTCACGTCCTCCGCCTCTTTCATGGACATATGGATGAGTGTCTGAC[C>A]ATTTCCCCTGCTGACAGTGATGACCAGCGCAGGTCTGGGCTGTGGACGAGAGGGCCTGGG-3'
Protein context (NP_000531.2, residues 221-241): LFHGHMDECL[Thr231=]ISPADSDDQR

ClinVar aggregate classification (germline): Likely benign. Review status: criteria provided, multiple submitters, no conflicts (2 of 4 stars). 2 submissions from 2 submitters: Likely benign (2). Last evaluated 2025-07-15.

Conditions:
Malignant hyperthermia, susceptibility to, 1 (MHS1). Also called: Anesthesia related hyperthermia; Malignant hyperpyrexia; Fulminating hyperpyrexia; Pharmacogenic myopathy; Malignant hyperthermia suceptibility 1; RYR1-Related Malignant Hyperthermia Susceptibility. Identifiers: Orphanet 423, MedGen C2930980, MONDO:0007783, OMIM 145600.
RYR1-related disorder. Also called: RYR1-related condition; RYR1-related disorders. Identifiers: MedGen CN239331.

Allele frequency attached by ClinVar (database versions not stated): gnomAD 0.00001; gnomAD exomes 0.00001; TOPMed 0.00002.
gnomAD v4.1: 5 of 1,614,060 alleles (0.00031%); highest among the groups gnomAD compares: African/African-American, 0.0067%; no homozygotes.

Submissions (2):

Labcorp Genetics (formerly Invitae), Labcorp
Classification: Likely benign for RYR1-related disorder. Last evaluated: 2025-07-15. Review status: criteria provided, single submitter. Criteria: Invitae Variant Classification Sherloc (09022015). Collection method: clinical testing. Allele origin: germline.

All of Us Research Program, National Institutes of Health
Classification: Likely benign for Malignant hyperthermia, susceptibility to, 1. Last evaluated: 2024-08-13. Review status: criteria provided, single submitter. Criteria: ACMG Guidelines, 2015. Collection method: clinical testing. Allele origin: germline. Inheritance: Autosomal dominant inheritance. Observed: 3 variant alleles, 3 heterozygotes.
Comment: This study involves interpretation of variants in research participants for the purpose of population health screening. Participant phenotype was not available at the time of variant classification. Additional details can be found in publication PMID: 35346344, PMCID: PMC8962531